The following is an entry in ClinVar:

ClinVar aggregate classification (germline): Uncertain significance (1 of 4 stars; one submission).

Allele frequency attached by ClinVar (database versions not stated): gnomAD 0.00001; TOPMed 0.00002.
gnomAD v4.1: 2 of 1,608,528 alleles (0.00012%); highest among the groups gnomAD compares: Non-Finnish European, 0.00017%; no homozygotes.

Submission:

Labcorp Genetics (formerly Invitae), Labcorp
Classification: Uncertain significance. Last evaluated: 2022-02-10. Review status: criteria provided, single submitter. Criteria: Invitae Variant Classification Sherloc (09022015). Collection method: clinical testing. Allele origin: germline.
Comment: In summary, the available evidence is currently insufficient to determine the role of this variant in disease. Therefore, it has been classified as a Variant of Uncertain Significance. Algorithms developed to predict the effect of missense changes on protein structure and function are either unavailable or do not agree on the potential impact of this missense change (SIFT: "Deleterious"; PolyPhen-2: "Probably Damaging"; Align-GVGD: "Class C0"). This variant has not been reported in the literature in individuals affected with STN1-related conditions. This variant is not present in population databases (gnomAD no frequency). This sequence change replaces tyrosine, which is neutral and polar, with histidine, which is basic and polar, at codon 291 of the STN1 protein (p.Tyr291His).

NM_024928.5(STN1):c.871T>C (p.Tyr291His)

Gene: STN1 (STN1 subunit of CST complex; minus strand). Cytogenetic location: 10q24.33.
Variant type: single nucleotide variant.
Coding change: c.871T>C on transcript NM_024928.5 (MANE Select); coding-DNA position 871, T replaced by C.
Protein change: p.Tyr291His; replaces tyrosine 291 with histidine.
Molecular consequence: missense variant.
Genome position (GRCh38, 1-based): chr10:103,892,135, A>G on the plus strand (T>C on the coding strand, the complement: STN1 is on the minus strand). VCF-style: chr10-103892135-A-G. GRCh37 (hg19) VCF-style: chr10-105651893-A-G.
Other names: short protein forms Y291H.
Identifiers: ClinVar variation 1468310 (VCV001468310.7), dbSNP rs1019246020, ClinGen allele CA212417225.